The following is an entry in ClinVar:

NM_015114.3(ANKLE2):c.2260G>T (p.Glu754Ter)

Gene: ANKLE2 (ankyrin repeat and LEM domain containing 2; minus strand). Cytogenetic location: 12q24.33.
Variant type: single nucleotide variant.
Coding change: c.2260G>T on transcript NM_015114.3 (MANE Select); coding-DNA position 2260, G replaced by T.
Protein change: p.Glu754Ter; replaces glutamic acid 754 with a stop codon.
Molecular consequence: nonsense.
Genome position (GRCh38, 1-based): chr12:132,729,902, C>A on the plus strand (G>T on the coding strand, the complement: ANKLE2 is on the minus strand). VCF-style: chr12-132729902-C-A. GRCh37 (hg19) VCF-style: chr12-133306488-C-A.
Other names: short protein forms E754*.
Identifiers: ClinVar variation 1327768 (VCV001327768.2), dbSNP rs200253935, ClinGen allele CA6895282.

ClinVar aggregate classification (germline): Uncertain significance (1 of 4 stars; one submission).

Allele frequency attached by ClinVar (database versions not stated): gnomAD exomes below 0.00001; ExAC 0.00001; gnomAD 0.00001; 1000 Genomes Project 0.00020; 1000 Genomes Project 30x 0.00031.
gnomAD v4.1: 5 of 1,613,696 alleles (0.00031%); highest among the groups gnomAD compares: Non-Finnish European, 0.00042%; no homozygotes.

Submission:

GeneDx
Classification: Uncertain significance. Last evaluated: 2021-04-15. Review status: criteria provided, single submitter. Criteria: GeneDx Variant Classification Process June 2021. Collection method: clinical testing. Allele origin: germline. Affected: yes.
Comment: Not observed at a significant frequency in large population cohorts (Lek et al., 2016); Nonsense variant predicted to result in protein truncation or nonsense mediated decay in a gene for which loss-of-function is not a known mechanism of disease; Has not been previously published as pathogenic or benign to our knowledge